The following is an entry in ClinVar:

ClinVar aggregate classification (germline): Pathogenic (1 of 4 stars; one submission).

Conditions:
Osteogenesis imperfecta type I (OI1). Also called: OI, TYPE I; OSTEOGENESIS IMPERFECTA TARDA; OSTEOGENESIS IMPERFECTA WITH BLUE SCLERAE; Osteogenesis imperfecta type 1; Lobstein's Disease; Lobstein disease. Identifiers: Orphanet 216796, Orphanet 666, MedGen C0023931, MONDO:0008146, OMIM 166200. Disease mechanism: loss of function.

Submission:

Clinical Genetics and Genomics, Karolinska University Hospital
Classification: Pathogenic for Osteogenesis imperfecta type I. Last evaluated: 2026-04-07. Review status: criteria provided, single submitter. Criteria: ACMG Guidelines, 2015. Collection method: clinical testing. Allele origin: unknown. Affected: yes.
Comment: This sequence change affects a splice site of the COL1A1 gene. It is expected to disrupt RNA splicing. Variants that disrupt the donor or acceptor splice site typically lead to a loss of protein function (PMID: 16199547), and loss-of-function variants in COL1A1 are known to be pathogenic (PMID: 7942841, 9295084, 9443882). This variant is not present in population databases (gnomAD no frequency). Disruption of this splice site has been observed in individuals with osteogenesis imperfecta, type 1 (PMID: 16879195, 21520333).

NM_000088.4(COL1A1):c.1983+1G>A

Gene: COL1A1 (collagen type I alpha 1 chain; minus strand). Cytogenetic location: 17q21.33.
Variant type: single nucleotide variant.
Coding change: c.1983+1G>A on transcript NM_000088.4 (MANE Select); the canonical splice donor site of the intron after coding-DNA position 1983, G replaced by A.
Molecular consequence: splice donor variant.
Genome position (GRCh38, 1-based): chr17:50,192,474, C>T on the plus strand (G>A on the coding strand, the complement: COL1A1 is on the minus strand). VCF-style: chr17-50192474-C-T. GRCh37 (hg19) VCF-style: chr17-48269835-C-T.
Identifiers: ClinVar variation 4850908 (VCV004850908.1).